The following is an entry in ClinVar:

NM_001163435.3(TBCK):c.1350+6del

Gene: TBCK (TBC1 domain containing kinase; minus strand). Cytogenetic location: 4q24.
Variant type: Deletion.
Coding change: c.1350+6del on transcript NM_001163435.3 (MANE Select); 6 bases into the intron after coding-DNA position 1350, one base deleted (G; older notation c.1350+6delG).
Molecular consequence: intron variant.
Genome position (GRCh38, 1-based): chr4:106,236,384, C deleted on the plus strand (G on the coding strand, the reverse complement: TBCK is on the minus strand); the first of 2 consecutive C bases (chr4:106,236,384-106,236,385); deleting either gives the same sequence. VCF-style (leftmost placement, unchanged base first): chr4-106236383-TC-T. GRCh37 (hg19) VCF-style: chr4-107157540-TC-T.
Other names: c.1350+6del (NM_001163436.4); c.1161+6del (NM_033115.5); c.1233+6del (NM_001163437.3); c.834+6del (NM_001290768.2).
Identifiers: ClinVar variation 2139073 (VCV002139073.3), dbSNP rs776302536, ClinGen allele CA3035111.

ClinVar aggregate classification (germline): Uncertain significance (1 of 4 stars; one submission).

Submission:

Labcorp Genetics (formerly Invitae), Labcorp
Classification: Uncertain significance. Last evaluated: 2024-07-08. Review status: criteria provided, single submitter. Criteria: Invitae Variant Classification Sherloc (09022015). Collection method: clinical testing. Allele origin: germline.
Comment: This sequence change falls in intron 14 of the TBCK gene. It does not directly change the encoded amino acid sequence of the TBCK protein. It affects a nucleotide within the consensus splice site. This variant is present in population databases (rs776302536, gnomAD 0.005%). This variant has not been reported in the literature in individuals affected with TBCK-related conditions. ClinVar contains an entry for this variant (Variation ID: 2139073). Variants that disrupt the consensus splice site are a relatively common cause of aberrant splicing (PMID: 17576681, 9536098). Algorithms developed to predict the effect of sequence changes on RNA splicing suggest that this variant is not likely to affect RNA splicing. In summary, the available evidence is currently insufficient to determine the role of this variant in disease. Therefore, it has been classified as a Variant of Uncertain Significance.

Literature cited by the submitters: PubMed 17576681; PubMed 9536098.